The following is an entry in ClinVar:

ClinVar aggregate classification (germline): Uncertain significance. Review status: criteria provided, multiple submitters, no conflicts (2 of 4 stars). 2 submissions from 2 submitters: Uncertain significance (2). Last evaluated 2025-02-22.

Conditions:
Intellectual developmental disorder with autism and macrocephaly. Also called: CHD8-Related Neurodevelopmental Disorder with Overgrowth; Autism, susceptibility to, 18. Identifiers: Orphanet 642675, MedGen C3554373, MONDO:0014017, OMIM 615032.

Allele frequency attached by ClinVar (database versions not stated): gnomAD exomes below 0.00001.
gnomAD v4.1: 4 of 1,611,728 alleles (0.00025%); highest among the groups gnomAD compares: East Asian, 0.0045%; no homozygotes.

Submissions (2):

3billion
Classification: Uncertain significance for Intellectual developmental disorder with autism and macrocephaly. Last evaluated: 2025-02-22. Review status: criteria provided, single submitter. Criteria: ACMG Guidelines, 2015. Collection method: clinical testing. Allele origin: germline. Affected: yes.
Comment: The variant is observed at an extremely low frequency in the gnomAD v4.1.0 dataset (total allele frequency: <0.001%). Predicted Consequence/Location: Missense variant In silico tool predictions suggest damaging effect of the variant on gene or gene product [REVEL: 0.60 (>=0.6, sensitivity 0.68 and specificity 0.92); 3Cnet: 0.49 (>=0.6, sensitivity 0.72 and precision 0.9)]. The variant has been reported as of uncertain significance (ClinVar ID: VCV002575742). Different missense changes at the same codon have been reported as of uncertain significance (ClinVar ID: VCV003347731, VCV001796345). Therefore, this variant is classified as VUS according to the recommendation of ACMG/AMP guideline.

GeneDx
Classification: Uncertain significance. Last evaluated: 2023-02-12. Review status: criteria provided, single submitter. Criteria: GeneDx Variant Classification Process June 2021. Collection method: clinical testing. Allele origin: germline. Affected: yes.
Comment: Not observed at significant frequency in large population cohorts (gnomAD); In silico analysis supports that this missense variant has a deleterious effect on protein structure/function; Has not been previously published as pathogenic or benign to our knowledge

NM_001170629.2(CHD8):c.2813G>A (p.Arg938His)

Gene: CHD8 (chromodomain helicase DNA binding protein 8; minus strand). Cytogenetic location: 14q11.2.
Variant type: single nucleotide variant.
Coding change: c.2813G>A on transcript NM_001170629.2 (MANE Select); coding-DNA position 2813, G replaced by A.
Protein change: p.Arg938His; replaces arginine 938 with histidine.
Molecular consequence: missense variant.
Genome position (GRCh38, 1-based): chr14:21,406,950, C>T on the plus strand (G>A on the coding strand, the complement: CHD8 is on the minus strand). VCF-style: chr14-21406950-C-T. GRCh37 (hg19) VCF-style: chr14-21875109-C-T.
Other names: c.1976G>A, p.Arg659His (NM_020920.4); short protein forms R659H, R938H.
Identifiers: ClinVar variation 2575742 (VCV002575742.2), dbSNP rs770933277, ClinGen allele CA257545851.
Genomic context (GRCh38, chr14:21,406,950, plus strand): 5'-CAATTACGGTTTTTCAGTCGATGGGCTTCATCAATGATAACACAACGCCATTCAATTTCA[C>T]GAAGCTCAGGACAATCTGACAAAATCATCTCAAAAGTGGTGATCAGAGCGTCAAACTTGT-3'
Protein context (NP_001164100.1, residues 928-948): EMILSDCPEL[Arg938His]EIEWRCVIID